The following is an entry in ClinVar:

NM_000206.3(IL2RG):c.130_139del (p.Thr44fs)

Gene: IL2RG (interleukin 2 receptor subunit gamma; minus strand). Cytogenetic location: Xq13.1.
Variant type: Deletion.
Coding change: c.130_139del on transcript NM_000206.3 (MANE Select); coding-DNA positions 130 to 139, 10 bases deleted (ACTATGCCCA; older notation c.130_139delACTATGCCCA).
Protein change: p.Thr44fs; shifts the reading frame from threonine 44.
Molecular consequence: frameshift variant.
Genome position (GRCh38, 1-based): chrX:71,111,027-71,111,036, TGGGCATAGT deleted on the plus strand (ACTATGCCCA on the coding strand, the reverse complement: IL2RG is on the minus strand). VCF-style (leftmost placement, unchanged base first): chrX-71111026-GTGGGCATAGT-G. GRCh37 (hg19) VCF-style: chrX-70330876-GTGGGCATAGT-G.
Other names: short protein forms T44fs.
Identifiers: ClinVar variation 2110268 (VCV002110268.4), dbSNP rs2519648050, ClinGen allele CA2580101351.

ClinVar aggregate classification (germline): Pathogenic (1 of 4 stars; one submission).

Conditions:
X-linked severe combined immunodeficiency (SCIDX1). Also called: X-Linked Combined Immunodeficiency Diseases; IMMUNODEFICIENCY 4; SCID, X-LINKED; SEVERE COMBINED IMMUNODEFICIENCY, X-LINKED, T CELL-NEGATIVE, B CELL-POSITIVE, NK CELL-NEGATIVE; T-B+ severe combined immunodeficiency due to gamma chain deficiency. Identifiers: Orphanet 276, MedGen C6022468, MONDO:0010315, OMIM 300400. Disease mechanism: loss of function.

Submission:

Labcorp Genetics (formerly Invitae), Labcorp
Classification: Pathogenic for X-linked severe combined immunodeficiency. Last evaluated: 2022-03-14. Review status: criteria provided, single submitter. Criteria: Invitae Variant Classification Sherloc (09022015). Collection method: clinical testing. Allele origin: germline.
Comment: For these reasons, this variant has been classified as Pathogenic. This variant has not been reported in the literature in individuals affected with IL2RG-related conditions. This variant is not present in population databases (gnomAD no frequency). This sequence change creates a premature translational stop signal (p.Thr44Leufs*24) in the IL2RG gene. It is expected to result in an absent or disrupted protein product. Loss-of-function variants in IL2RG are known to be pathogenic (PMID: 9058718, 10794430).

Literature cited by the submitters: PubMed 9058718; PubMed 10794430.